The following is an entry in ClinVar:

ClinVar aggregate classification (germline): Conflicting classifications of pathogenicity. Review status: criteria provided, conflicting classifications (1 of 4 stars). 4 submissions from 4 submitters: Uncertain significance (3); Likely benign (1). Last evaluated 2025-08-19.

Conditions:
Neuroblastoma, susceptibility to, 3. Also called: ALK-Related Neuroblastic Tumor Susceptibility. Identifiers: Orphanet 635, MedGen C2751681, MONDO:0013083, OMIM 613014.
Hereditary cancer-predisposing syndrome. Also called: Neoplastic Syndromes, Hereditary; Tumor predisposition; Hereditary Cancer Syndrome; Hereditary neoplastic syndrome. Identifiers: Orphanet 140162, MedGen C0027672, MeSH D009386, MONDO:0015356.

Allele frequency attached by ClinVar (database versions not stated): gnomAD exomes below 0.00001 and 0.00001; ExAC 0.00001; gnomAD 0.00001; TOPMed 0.00001.
gnomAD v4.1: 6 of 1,613,994 alleles (0.00037%); highest among the groups gnomAD compares: East Asian, 0.013%; no homozygotes.

Submissions (4):

Ambry Genetics
Classification: Likely benign for Hereditary cancer-predisposing syndrome. Last evaluated: 2025-08-19. Review status: criteria provided, single submitter. Criteria: Ambry Variant Classification Scheme 2023. Collection method: clinical testing. Allele origin: germline.

Labcorp Genetics (formerly Invitae), Labcorp
Classification: Uncertain significance for Neuroblastoma, susceptibility to, 3. Last evaluated: 2024-07-30. Review status: criteria provided, single submitter. Criteria: Invitae Variant Classification Sherloc (09022015). Collection method: clinical testing. Allele origin: germline.
Comment: This sequence change replaces histidine, which is basic and polar, with glutamine, which is neutral and polar, at codon 281 of the ALK protein (p.His281Gln). This variant is present in population databases (rs759250272, gnomAD 0.006%). This variant has not been reported in the literature in individuals affected with ALK-related conditions. ClinVar contains an entry for this variant (Variation ID: 538210). An algorithm developed to predict the effect of missense changes on protein structure and function outputs the following: PolyPhen-2: "Benign". The glutamine amino acid residue is found in multiple mammalian species, which suggests that this missense change does not adversely affect protein function. In summary, the available evidence is currently insufficient to determine the role of this variant in disease. Therefore, it has been classified as a Variant of Uncertain Significance.

Fulgent Genetics
Classification: Uncertain significance for Neuroblastoma, susceptibility to, 3. Last evaluated: 2024-04-30. Review status: criteria provided, single submitter. Criteria: ACMG Guidelines, 2015. Collection method: clinical testing. Allele origin: germline.

Illumina Laboratory Services, Illumina
Classification: Uncertain significance for Neuroblastoma, susceptibility to, 3. Last evaluated: 2018-03-23. Review status: criteria provided, single submitter. Criteria: ICSL Variant Classification Criteria 13 December 2019. Collection method: clinical testing. Allele origin: germline.

NM_004304.5(ALK):c.843T>A (p.His281Gln)

Gene: ALK (ALK receptor tyrosine kinase; minus strand). Cytogenetic location: 2p23.2.
Variant type: single nucleotide variant.
Coding change: c.843T>A on transcript NM_004304.5 (MANE Select); coding-DNA position 843, T replaced by A.
Protein change: p.His281Gln; replaces histidine 281 with glutamine.
Molecular consequence: missense variant.
Genome position (GRCh38, 1-based): chr2:29,694,959, A>T on the plus strand (T>A on the coding strand, the complement: ALK is on the minus strand). VCF-style: chr2-29694959-A-T. GRCh37 (hg19) VCF-style: chr2-29917825-A-T.
Other names: short protein forms H281Q.
Identifiers: ClinVar variation 538210 (VCV000538210.16), dbSNP rs759250272, ClinGen allele CA1594837.
Genomic context (GRCh38, chr2:29,694,959, plus strand): 5'-CATCTGGGAGGCCTCCTCGGAGGGGATGCGGCGCCAGGACCAGCTCTGGTTCCTGAGGTC[A>T]TGCAGTGGAGGGGAATACTCCAGCTCACAGGGGAAGTCAAAGCTGCACTCCAGACCTGCA-3'
Protein context (NP_004295.2, residues 271-291): PCELEYSPPL[His281Gln]DLRNQSWSWR